The following is an entry in ClinVar:

ClinVar aggregate classification (germline): Likely benign. Review status: criteria provided, multiple submitters, no conflicts (2 of 4 stars). 2 submissions from 2 submitters: Likely benign (2). Last evaluated 2024-04-02.

Conditions:
Dilated cardiomyopathy 1G (CMD1G). Identifiers: Orphanet 154, MedGen C1858763, MONDO:0011400, OMIM 604145.
Autosomal recessive limb-girdle muscular dystrophy type 2J (LGMDR10). Also called: Limb-girdle muscular dystrophy, type 2J; MUSCULAR DYSTROPHY, LIMB-GIRDLE, AUTOSOMAL RECESSIVE 10. Identifiers: Orphanet 140922, MedGen C1837342, MONDO:0012127, OMIM 608807.

gnomAD v4.1: 1 of 1,573,294 alleles (0.000064%); highest among the groups gnomAD compares: South Asian, 0.0012%; no homozygotes.

Submissions (2):

Labcorp Genetics (formerly Invitae), Labcorp
Classification: Likely benign for Dilated cardiomyopathy 1G; Autosomal recessive limb-girdle muscular dystrophy type 2J. Last evaluated: 2024-04-02. Review status: criteria provided, single submitter. Criteria: Invitae Variant Classification Sherloc (09022015). Collection method: clinical testing. Allele origin: germline.

GeneDx
Classification: Likely benign. Last evaluated: 2017-08-11. Review status: criteria provided, single submitter. Criteria: GeneDx Variant Classification (06012015). Collection method: clinical testing. Allele origin: germline. Affected: yes.
Comment: This variant is considered likely benign or benign based on one or more of the following criteria: it is a conservative change, it occurs at a poorly conserved position in the protein, it is predicted to be benign by multiple in silico algorithms, and/or has population frequency not consistent with disease.

NM_001267550.2(TTN):c.40478-8C>A

Gene: TTN (titin; minus strand). Cytogenetic location: 2q31.2.
Variant type: single nucleotide variant.
Coding change: c.40478-8C>A on transcript NM_001267550.2 (MANE Select); 8 bases into the intron before coding-DNA position 40478, C replaced by A.
Molecular consequence: intron variant.
Genome position (GRCh38, 1-based): chr2:178,642,325, G>T on the plus strand (C>A on the coding strand, the complement: TTN is on the minus strand). VCF-style: chr2-178642325-G-T. GRCh37 (hg19) VCF-style: chr2-179507052-G-T.
Other names: c.35555-8C>A (NM_001256850.1); c.13283-8C>A (NM_003319.4); c.13859-8C>A (NM_133437.4); c.13658-8C>A (NM_133432.3); c.32774-8C>A (NM_133378.4).
Identifiers: ClinVar variation 511495 (VCV000511495.3), dbSNP rs1553756571, ClinGen allele CA658796084.